The following is an entry in ClinVar:

ClinVar aggregate classification (germline): Pathogenic/Likely pathogenic. Review status: criteria provided, multiple submitters, no conflicts (2 of 4 stars). 4 submissions from 4 submitters: Pathogenic (1); Likely pathogenic (2). 1 of the submissions does not count toward it. Last evaluated 2026-04-14.

Conditions:
ABCB4-related disorder. Also called: ABCB4-related disorders; ABCB4-related condition.
Familial intrahepatic cholestasis. Identifiers: Orphanet 284385, MedGen CN296401, MONDO:0017290.

Submissions (4):

Genomenon, Inc
Classification: Likely pathogenic for Familial intrahepatic cholestasis. Last evaluated: 2026-04-14. Review status: criteria provided, single submitter. Criteria: Genomenon Sequence Variant Interpretation Standards - Updated. Collection method: curation. Allele origin: germline. Affected: yes.
Comment: ABCB4 c.3633+1G>T is a canonical splice variant affecting the donor splice site of intron 27. It is predicted to affect mRNA splicing, leading to a deleterious effect on the ABCB4 protein. This variant has been observed in at least one proband with an ABCB4-related disorder (PMID:29761167). The variant was found to segregate with disease in at least one affected family (PMID:29761167). It is absent or not present at a significant frequency in gnomAD. In conclusion, we classify ABCB4 c.3633+1G>T as a likely pathogenic variant.

Labcorp Genetics (formerly Invitae), Labcorp
Classification: Likely pathogenic. Last evaluated: 2024-02-14. Review status: criteria provided, single submitter. Criteria: Invitae Variant Classification Sherloc (09022015). Collection method: clinical testing. Allele origin: germline.
Comment: This sequence change affects a donor splice site in intron 27 of the ABCB4 gene. While this variant is not anticipated to result in nonsense mediated decay, it likely alters RNA splicing and results in a disrupted protein product. This variant is not present in population databases (gnomAD no frequency). Disruption of this splice site has been observed in individuals with progressive familial intrahepatic cholestasis (PMID: 24594635, 29761167). ClinVar contains an entry for this variant (Variation ID: 501851). Variants that disrupt the consensus splice site are a relatively common cause of aberrant splicing (PMID: 17576681, 9536098). Algorithms developed to predict the effect of sequence changes on RNA splicing suggest that this variant may disrupt the consensus splice site. This variant disrupts a region of the ABCB4 protein in which other variant(s) (p.His1231Tyr) have been observed in individuals with ABCB4-related conditions (PMID: 22766396). This suggests that this is a clinically significant region of the protein, and that variants that disrupt it are likely to be disease-causing. In summary, the currently available evidence indicates that the variant is pathogenic, but additional data are needed to prove that conclusively. Therefore, this variant has been classified as Likely Pathogenic.

Eurofins Ntd Llc (ga)
Classification: Pathogenic. Last evaluated: 2017-05-08. Review status: criteria provided, single submitter. Criteria: EGL Classification Definitions 2015. Collection method: clinical testing. Allele origin: germline. Observed: 1 variant allele, 1 heterozygote.

PreventionGenetics, part of Exact Sciences
Classification: Pathogenic for ABCB4-related condition. Last evaluated: 2023-11-06. Review status: no assertion criteria provided. Collection method: clinical testing. Allele origin: germline. Not counted in ClinVar's aggregate classification.
Comment: The ABCB4 c.3633+1G>T variant is predicted to disrupt the GT donor site and interfere with normal splicing. This variant has been reported in the homozygous state in an individual with ABCB4 deficiency (Schatz et al 2018. PubMed ID: 29761167). This variant has not been reported in a large population database, indicating this variant is rare. Variants that disrupt the consensus splice donor site in ABCB4 are expected to be pathogenic. This variant is interpreted as pathogenic.

Literature cited by the submitters: PubMed 29761167 (cited by Genomenon, Inc and Labcorp Genetics (formerly Invitae), Labcorp); PubMed 24594635 (cited by Labcorp Genetics (formerly Invitae), Labcorp); PubMed 17576681 (cited by Labcorp Genetics (formerly Invitae), Labcorp); PubMed 9536098 (cited by Labcorp Genetics (formerly Invitae), Labcorp); PubMed 22766396 (cited by Labcorp Genetics (formerly Invitae), Labcorp).

NM_000443.4(ABCB4):c.3633+1G>T

Gene: ABCB4 (ATP binding cassette subfamily B member 4; minus strand). Cytogenetic location: 7q21.12.
Variant type: single nucleotide variant.
Coding change: c.3633+1G>T on transcript NM_000443.4 (MANE Select); the canonical splice donor site of the intron after coding-DNA position 3633, G replaced by T.
Molecular consequence: splice donor variant.
Genome position (GRCh38, 1-based): chr7:87,403,134, C>A on the plus strand (G>T on the coding strand, the complement: ABCB4 is on the minus strand). VCF-style: chr7-87403134-C-A. GRCh37 (hg19) VCF-style: chr7-87032450-C-A.
Other names: c.3633+1G>T (NM_000443.3); c.3492+1G>T (NM_018850.3); c.3654+1G>T (NM_018849.3).
Identifiers: ClinVar variation 501851 (VCV000501851.10), dbSNP rs1245472904, ClinGen allele CA368057258.